The following is an entry in ClinVar:

ClinVar aggregate classification (germline): Uncertain significance. Review status: criteria provided, multiple submitters, no conflicts (2 of 4 stars). 2 submissions from 2 submitters: Uncertain significance (2). Last evaluated 2025-02-26.

Allele frequency attached by ClinVar (database versions not stated): gnomAD 0.00001; gnomAD exomes below 0.00001; TOPMed 0.00001.

Submissions (2):

Labcorp Genetics (formerly Invitae), Labcorp
Classification: Uncertain significance. Last evaluated: 2025-02-26. Review status: criteria provided, single submitter. Criteria: Invitae Variant Classification Sherloc (09022015). Collection method: clinical testing. Allele origin: germline.
Comment: This sequence change replaces threonine, which is neutral and polar, with serine, which is neutral and polar, at codon 75 of the ERCC1 protein (p.Thr75Ser). This variant is not present in population databases (gnomAD no frequency). This variant has not been reported in the literature in individuals affected with ERCC1-related conditions. ClinVar contains an entry for this variant (Variation ID: 2223233). An algorithm developed to predict the effect of missense changes on protein structure and function (PolyPhen-2) suggests that this variant is likely to be tolerated. In summary, the available evidence is currently insufficient to determine the role of this variant in disease. Therefore, it has been classified as a Variant of Uncertain Significance.

Ambry Genetics
Classification: Uncertain significance. Last evaluated: 2024-03-04. Review status: criteria provided, single submitter. Criteria: Ambry Variant Classification Scheme 2023. Collection method: clinical testing. Allele origin: germline.

NM_001983.4(ERCC1):c.223A>T (p.Thr75Ser)

Gene: ERCC1 (ERCC excision repair 1, endonuclease non-catalytic subunit; minus strand). Cytogenetic location: 19q13.32.
Variant type: single nucleotide variant.
Coding change: c.223A>T on transcript NM_001983.4 (MANE Select); coding-DNA position 223, A replaced by T.
Protein change: p.Thr75Ser; replaces threonine 75 with serine.
Molecular consequence: missense variant.
Genome position (GRCh38, 1-based): chr19:45,421,276, T>A on the plus strand (A>T on the coding strand, the complement: ERCC1 is on the minus strand). VCF-style: chr19-45421276-T-A. GRCh37 (hg19) VCF-style: chr19-45924534-T-A.
Other names: c.223A>T, p.Thr75Ser (NM_001166049.2, NM_001369408.1, NM_001369409.1 and 11 more transcripts); short protein forms T75S.
Identifiers: ClinVar variation 2223233 (VCV002223233.5), dbSNP rs1692188232, ClinGen allele CA406359804.
Genomic context (GRCh38, chr19:45,421,276, plus strand): 5'-CGGGTTTCAGGGCCTGGTTGGGCGTCTCTCCTGCCAGGGGCTCTGACCCTGTGGGGCACG[T>A]GGCCCCAGCCCCTTCCAGAGGCTGTGAGATGGCATATTCGGCGTAGGTCTGAGGGGCCGC-3'
Protein context (NP_001974.1, residues 65-85): ISQPLEGAGA[Thr75Ser]CPTGSEPLAG